The following is an entry in ClinVar:

NM_006393.3(NEBL):c.1954A>C (p.Ile652Leu)

Gene: NEBL (nebulette; minus strand). Cytogenetic location: 10p12.31.
Variant type: single nucleotide variant.
Coding change: c.1954A>C on transcript NM_006393.3 (MANE Select); coding-DNA position 1954, A replaced by C.
Protein change: p.Ile652Leu; replaces isoleucine 652 with leucine.
Molecular consequence: missense variant. On other transcripts: intron variant (9).
Genome position (GRCh38, 1-based): chr10:20,823,216, T>G on the plus strand (A>C on the coding strand, the complement: NEBL is on the minus strand). VCF-style: chr10-20823216-T-G. GRCh37 (hg19) VCF-style: chr10-21112145-T-G.
Other names: p.I652L:ATC>CTC; c.250-10276A>C (NM_001377326.1, NM_001377327.1, NM_001377328.1); c.358-10276A>C (NM_213569.2, NM_001173484.2, NM_001377322.1); c.301-10276A>C (NM_001377324.1); c.292-10276A>C (NM_001377325.1); c.310-10276A>C (NM_001377323.1); short protein forms I652L.
Identifiers: ClinVar variation 178095 (VCV000178095.20), dbSNP rs200756166, ClinGen allele CA248778.
Genomic context (GRCh38, chr10:20,823,216, plus strand): 5'-ACGTGTTGATATACAATAAAATTTTTAAAAAATACTTAAGAAATATGATCACATTGCTGA[T>G]GTTCTTCTGGTTTTCTTTAACTCTCTTTAGTTCTGGAGGATCAGAAATGGCTGTTGCATG-3'
Protein context (NP_006384.1, residues 642-662): LKRVKENQKN[Ile652Leu]SNLQYKEQNY

ClinVar aggregate classification (germline): Likely benign. Review status: criteria provided, multiple submitters, no conflicts (2 of 4 stars). 6 submissions from 6 submitters: Likely benign (5). 1 of the submissions does not count toward it. Last evaluated 2025-12-15.

Conditions:
NEBL-related disorder. Also called: NEBL-related condition.
Primary dilated cardiomyopathy (DCM). Also called: Dilated Cardiomyopathy. Identifiers: Orphanet 217604, MedGen C0007193, MeSH D002311, MONDO:0005021, HP:0001644. Inheritance: Various modes of inheritance.

Allele frequency attached by ClinVar (database versions not stated): gnomAD 0.00003 and 0.00014; TOPMed 0.00007; ESP Exome Variant Server 0.00008; gnomAD exomes 0.00021 and 0.00044; ExAC 0.00045.
gnomAD v4.1: 331 of 1,601,832 alleles (0.021%); highest among the groups gnomAD compares: Middle Eastern, 0.45%; 2 homozygotes.

Submissions (6):

Labcorp Genetics (formerly Invitae), Labcorp
Classification: Likely benign for Primary dilated cardiomyopathy. Last evaluated: 2025-12-15. Review status: criteria provided, single submitter. Criteria: Invitae Variant Classification Sherloc (09022015). Collection method: clinical testing. Allele origin: germline.

GeneDx
Classification: Likely benign. Last evaluated: 2021-02-23. Review status: criteria provided, single submitter. Criteria: GeneDx Variant Classification Process June 2021. Collection method: clinical testing. Allele origin: germline. Affected: yes.
Comment: This variant is associated with the following publications: (PMID: 27186169)

Genomic Diagnostic Laboratory, Division of Genomic Diagnostics, Children's Hospital of Philadelphia
Classification: Likely benign. Last evaluated: 2015-07-10. Review status: criteria provided, single submitter. Criteria: DGD Variant Analysis Guidelines. Collection method: clinical testing. Allele origin: unknown.

Laboratory for Molecular Medicine, Mass General Brigham Personalized Medicine
Classification: Likely benign. Last evaluated: 2015-03-18. Review status: criteria provided, single submitter. Criteria: LMM Criteria. Collection method: clinical testing. Allele origin: germline. Observed: 4 variant alleles.
Comment: p.Ile652Leu in exon 19 of NEBL: This variant is not expected to have clinical si gnificance due to a lack of conservation across species, including mammals. Of n ote, pig, alpaca, camel, and hedgehog have a leucine (Leu) at this position desp ite high nearby amino acid conservation. In addition, computational prediction t ools do not suggest a high likelihood of impact to the protein. It has also been identified in 0.2% (30/16404) of South Asian chromosomes by the Exome Aggregati on Consortium (ExAC; dbSNP rs200756166).

Breakthrough Genomics
Classification: Likely benign. Review status: criteria provided, single submitter. Criteria: ACMG Guidelines, 2015. Collection method: not provided. Allele origin: germline. Inheritance: Unknown mechanism. Affected: yes.

PreventionGenetics, part of Exact Sciences
Classification: Likely benign for NEBL-related condition. Last evaluated: 2024-03-04. Review status: no assertion criteria provided. Collection method: clinical testing. Allele origin: germline. Not counted in ClinVar's aggregate classification.
Comment: This variant is classified as likely benign based on ACMG/AMP sequence variant interpretation guidelines (Richards et al. 2015 PMID: 25741868, with internal and published modifications).